The following is an entry in ClinVar:

ClinVar aggregate classification (germline): Uncertain significance. Review status: criteria provided, multiple submitters, no conflicts (2 of 4 stars). 2 submissions from 2 submitters: Uncertain significance (2). Last evaluated 2025-03-20.

Submissions (2):

Labcorp Genetics (formerly Invitae), Labcorp
Classification: Uncertain significance. Last evaluated: 2025-03-20. Review status: criteria provided, single submitter. Criteria: Invitae Variant Classification Sherloc (09022015). Collection method: clinical testing. Allele origin: germline.
Comment: This sequence change replaces arginine, which is basic and polar, with leucine, which is neutral and non-polar, at codon 1206 of the CACNA1D protein (p.Arg1206Leu). This variant is not present in population databases (gnomAD no frequency). This variant has not been reported in the literature in individuals affected with CACNA1D-related conditions. Invitae Evidence Modeling of protein sequence and biophysical properties (such as structural, functional, and spatial information, amino acid conservation, physicochemical variation, residue mobility, and thermodynamic stability) indicates that this missense variant is not expected to disrupt CACNA1D protein function with a negative predictive value of 80%. In summary, the available evidence is currently insufficient to determine the role of this variant in disease. Therefore, it has been classified as a Variant of Uncertain Significance.

GeneDx
Classification: Uncertain significance. Last evaluated: 2024-09-06. Review status: criteria provided, single submitter. Criteria: GeneDx Variant Classification Process June 2021. Collection method: clinical testing. Allele origin: germline. Affected: yes.
Comment: Not observed at significant frequency in large population cohorts (gnomAD); In silico analysis supports that this missense variant has a deleterious effect on protein structure/function; Has not been previously published as pathogenic or benign to our knowledge

NM_001128840.3(CACNA1D):c.3557G>T (p.Arg1186Leu)

Gene: CACNA1D (calcium voltage-gated channel subunit alpha1 D; plus strand). Cytogenetic location: 3p21.1.
Variant type: single nucleotide variant.
Coding change: c.3557G>T on transcript NM_001128840.3 (MANE Select); coding-DNA position 3557, G replaced by T.
Protein change: p.Arg1186Leu; replaces arginine 1186 with leucine.
Molecular consequence: missense variant.
Genome position (GRCh38, 1-based): chr3:53,751,789, G>T. VCF-style: chr3-53751789-G-T. GRCh37 (hg19) VCF-style: chr3-53785816-G-T.
Other names: c.3617G>T, p.Arg1206Leu (NM_000720.4); c.3557G>T, p.Arg1186Leu (NM_001128839.3); short protein forms R1186L, R1206L.
Identifiers: ClinVar variation 3767841 (VCV003767841.2).